The following is an entry in ClinVar:

ClinVar aggregate classification (germline): Uncertain significance (1 of 4 stars; one submission).

Conditions:
Nemaline myopathy 6 (NEM6). Also called: Nemaline myopathy 6, autosomal dominant. Identifiers: Orphanet 171439, MedGen C1836472, MONDO:0012237, OMIM 609273.

Submission:

Labcorp Genetics (formerly Invitae), Labcorp
Classification: Uncertain significance for Nemaline myopathy 6. Last evaluated: 2024-07-29. Review status: criteria provided, single submitter. Criteria: Invitae Variant Classification Sherloc (09022015). Collection method: clinical testing. Allele origin: germline.
Comment: This sequence change affects codon 237 of the KBTBD13 mRNA. It is a 'silent' change, meaning that it does not change the encoded amino acid sequence of the KBTBD13 protein. This variant is not present in population databases (gnomAD no frequency). This variant has not been reported in the literature in individuals affected with KBTBD13-related conditions. In summary, the available evidence is currently insufficient to determine the role of this variant in disease. Therefore, it has been classified as a Variant of Uncertain Significance.

NM_001101362.3(KBTBD13):c.711G>C (p.Thr237=)

Gene: KBTBD13 (kelch repeat and BTB domain containing 13; plus strand). Cytogenetic location: 15q22.31.
Variant type: single nucleotide variant.
Coding change: c.711G>C on transcript NM_001101362.3 (MANE Select); coding-DNA position 711, G replaced by C.
Protein change: p.Thr237=; no amino-acid change (threonine 237 retained).
Molecular consequence: synonymous variant.
Genome position (GRCh38, 1-based): chr15:65,077,526, G>C. VCF-style: chr15-65077526-G-C. GRCh37 (hg19) VCF-style: chr15-65369864-G-C.
Identifiers: ClinVar variation 3604781 (VCV003604781.2).